The following is an entry in ClinVar:

ClinVar aggregate classification (germline): Likely benign. Review status: criteria provided, multiple submitters, no conflicts (2 of 4 stars). 4 submissions from 4 submitters: Likely benign (4). Last evaluated 2026-08-24.

Conditions:
LRP2-related disorder. Also called: LRP2-related condition.

Allele frequency attached by ClinVar (database versions not stated): TOPMed 0.00003; gnomAD 0.00004 and 0.00007; gnomAD exomes 0.00014 and 0.00017; ExAC 0.00019.
gnomAD v4.1: 202 of 1,533,328 alleles (0.013%); highest among the groups gnomAD compares: South Asian, 0.097%; 2 homozygotes.

Submissions (4):

PreventionGenetics, part of Exact Sciences
Classification: Likely benign for LRP2-related condition. Last evaluated: 2026-08-24. Review status: criteria provided, single submitter. Criteria: ACMG Guidelines, 2015. Collection method: clinical testing. Allele origin: germline.
Comment: This variant is classified as likely benign based on ACMG/AMP sequence variant interpretation guidelines (Richards et al. 2015 PMID: 25741868, with internal and published modifications).

CeGaT Center for Human Genetics Tuebingen
Classification: Likely benign. Last evaluated: 2026-01-01. Review status: criteria provided, single submitter. Criteria: CeGaT Center For Human Genetics Tuebingen Variant Classification Criteria Version 2. Collection method: clinical testing. Allele origin: germline. Affected: yes. Observed: 1 variant allele.
Comment: LRP2: BP4

Labcorp Genetics (formerly Invitae), Labcorp
Classification: Likely benign. Last evaluated: 2025-12-29. Review status: criteria provided, single submitter. Criteria: Invitae Variant Classification Sherloc (09022015). Collection method: clinical testing. Allele origin: germline.

Blueprint Genetics
Classification: Likely benign. Last evaluated: 2024-07-02. Review status: criteria provided, single submitter. Criteria: ACMG Guidelines, 2015. Collection method: clinical testing. Allele origin: germline.

NM_004525.3(LRP2):c.311-4G>A

Gene: LRP2 (LDL receptor related protein 2; minus strand). Cytogenetic location: 2q31.1.
Variant type: single nucleotide variant.
Coding change: c.311-4G>A on transcript NM_004525.3 (MANE Select); 4 bases into the intron before coding-DNA position 311, G replaced by A.
Molecular consequence: intron variant.
Genome position (GRCh38, 1-based): chr2:169,307,401, C>T on the plus strand (G>A on the coding strand, the complement: LRP2 is on the minus strand). VCF-style: chr2-169307401-C-T. GRCh37 (hg19) VCF-style: chr2-170163911-C-T.
Identifiers: ClinVar variation 741969 (VCV000741969.14), dbSNP rs200205018, ClinGen allele CA1955919.
Genomic context (GRCh38, chr2:169,307,401, plus strand): 5'-TTGGGATACACTGACCATTGGAGCATGTTATCTGATGACTTGAGCATGTACTTTGTGCTG[C>T]GAAGAGAAAAAATTATTACTTAATTTATAATTATTGCTAGACACAGACTAATCTATTGTC-3'